The following is an entry in ClinVar:

ClinVar aggregate classification (germline): Likely pathogenic (1 of 4 stars; one submission).

Conditions:
Encephalopathy due to GLUT1 deficiency. Also called: GLUCOSE TRANSPORT DEFECT, BLOOD-BRAIN BARRIER; De Vivo disease; Glucose transporter protein syndrome; GLUT1 deficiency syndrome 1; GLUT1 deficiency syndrome 1, infantile onset, severe; Classic Glucose Transporter Type 1 Deficiency Syndrome. Identifiers: Orphanet 71277, MedGen C4551966, MONDO:0011724, OMIM 606777.

Submission:

Unidad de Genómica Garrahan, Hospital de Pediatría Garrahan
Classification: Likely pathogenic for Encephalopathy due to GLUT1 deficiency. Last evaluated: 2025-06-12. Review status: criteria provided, single submitter. Criteria: ACMG Guidelines, 2015. Collection method: clinical testing. Allele origin: biparental. Affected: yes. Observed: 1 variant allele.
Comment: PP2_Supporting, PM2_Moderate, PP3_Moderate, PM5_Moderate, PS3_Supporting

Literature cited by the submitters: PubMed 10196171.

NM_006516.4(SLC2A1):c.523G>T (p.Gly175Cys)

Gene: SLC2A1 (solute carrier family 2 member 1; minus strand). Cytogenetic location: 1p34.2.
Variant type: single nucleotide variant.
Coding change: c.523G>T on transcript NM_006516.4 (MANE Select); coding-DNA position 523, G replaced by T.
Protein change: p.Gly175Cys; replaces glycine 175 with cysteine.
Molecular consequence: missense variant.
Genome position (GRCh38, 1-based): chr1:42,930,029, C>A on the plus strand (G>T on the coding strand, the complement: SLC2A1 is on the minus strand). VCF-style: chr1-42930029-C-A. GRCh37 (hg19) VCF-style: chr1-43395700-C-A.
Other names: short protein forms G175C.
Identifiers: ClinVar variation 4057317 (VCV004057317.1).
Genomic context (GRCh38, chr1:42,930,029, plus strand): 5'-TGAAGATGATGCTCAGCAGCAGGGGCCACAGGTCCTTGTTGCCCATGATGGAGTCCAGGC[C>A]GAACACCTGGGGGAAGCAGGGGCCGTGAGCGCCTCTGCCCTGACCCCCTTTCCCACCCCG-3'
Protein context (NP_006507.2, residues 165-185): VVGILIAQVF[Gly175Cys]LDSIMGNKDL